The following is an entry in ClinVar:

NM_000219.6(KCNE1):c.28A>G (p.Thr10Ala)

Gene: KCNE1 (potassium voltage-gated channel subfamily E regulatory subunit 1; minus strand). Cytogenetic location: 21q22.12.
Variant type: single nucleotide variant.
Coding change: c.28A>G on transcript NM_000219.6 (MANE Select); coding-DNA position 28, A replaced by G.
Protein change: p.Thr10Ala; replaces threonine 10 with alanine.
Molecular consequence: missense variant.
Genome position (GRCh38, 1-based): chr21:34,449,607, T>C on the plus strand (A>G on the coding strand, the complement: KCNE1 is on the minus strand). VCF-style: chr21-34449607-T-C. GRCh37 (hg19) VCF-style: chr21-35821905-T-C.
Other names: c.28A>G, p.Thr10Ala (NM_001127668.4, NM_001127669.4, NM_001127670.4 and 4 more transcripts); short protein forms T10A.
Identifiers: ClinVar variation 3374531 (VCV003374531.2).

Conditions:
Long QT syndrome 5 (LQT5). Identifiers: Orphanet 101016, Orphanet 768, MedGen C1867904, MONDO:0013372, OMIM 613695.

Submission:

Roden Lab, Vanderbilt University Medical Center
No classification provided (evidence only). Condition: Long QT syndrome 5. Review status: no classification provided. Collection method: in vitro. Allele origin: not applicable. Functional consequence: Effect on ion channel function.
ClinVar note: "not provided" was previously submitted as the classification for the variant. However, the classification appeared to be based only on an observation of functional data so it was converted to no classification on 2025-07-30.